The following is an entry in ClinVar:

NM_014264.5(PLK4):c.62del (p.Gly21fs)

Gene: PLK4 (polo like kinase 4; plus strand). Cytogenetic location: 4q28.1.
Variant type: Deletion.
Coding change: c.62del on transcript NM_014264.5 (MANE Select); coding-DNA position 62, one base deleted (G; older notation c.62delG).
Protein change: p.Gly21fs; shifts the reading frame from glycine 21.
Molecular consequence: frameshift variant. On other transcripts: 5 prime UTR variant (1).
Genome position (GRCh38, 1-based): chr4:127,881,862, G deleted; the last of 2 consecutive G bases (chr4:127,881,861-127,881,862); deleting either gives the same sequence. VCF-style (leftmost placement, unchanged base first): chr4-127881860-AG-A. GRCh37 (hg19) VCF-style: chr4-128803015-AG-A.
Other names: c.62del, p.Gly21fs (NM_001190799.2); c.-62del (NM_001190801.2); short protein forms G21fs.
Identifiers: ClinVar variation 1458419 (VCV001458419.6), dbSNP rs2148815189, ClinGen allele CA2573138041.

ClinVar aggregate classification (germline): Pathogenic (1 of 4 stars; one submission).

Submission:

Labcorp Genetics (formerly Invitae), Labcorp
Classification: Pathogenic. Last evaluated: 2022-07-12. Review status: criteria provided, single submitter. Criteria: Invitae Variant Classification Sherloc (09022015). Collection method: clinical testing. Allele origin: germline.
Comment: This variant is not present in population databases (gnomAD no frequency). This sequence change creates a premature translational stop signal (p.Gly21Aspfs*22) in the PLK4 gene. It is expected to result in an absent or disrupted protein product. Loss-of-function variants in PLK4 are known to be pathogenic (PMID: 25320347, 30842647). For these reasons, this variant has been classified as Pathogenic. ClinVar contains an entry for this variant (Variation ID: 1458419). This variant has not been reported in the literature in individuals affected with PLK4-related conditions.

Literature cited by the submitters: PubMed 25320347; PubMed 30842647.